The following is an entry in ClinVar:

ClinVar aggregate classification (germline): Uncertain significance (1 of 4 stars; one submission).

Conditions:
Inborn genetic diseases. Identifiers: MedGen C0950123, MeSH D030342.

gnomAD v4.1: 5 of 1,613,736 alleles (0.00031%); highest among the groups gnomAD compares: African/African-American, 0.0013%; no homozygotes.

Submission:

Ambry Genetics
Classification: Uncertain significance for Inborn genetic diseases. Last evaluated: 2025-10-20. Review status: criteria provided, single submitter. Criteria: Ambry Variant Classification Scheme 2023. Collection method: clinical testing. Allele origin: germline.
Comment: The c.1622-3C>G intronic variant results from a C to G substitution 3 nucleotides upstream from coding exon 16 in the DDX41 gene. This nucleotide position is well conserved in available vertebrate species. In silico splice site analysis predicts that this alteration may result in the creation or strengthening of a novel splice acceptor site. Based on the available evidence, the clinical significance of this variant remains unclear.

NM_016222.4(DDX41):c.1622-3C>G

Gene: DDX41 (DEAD-box helicase 41; minus strand). Cytogenetic location: 5q35.3.
Variant type: single nucleotide variant.
Coding change: c.1622-3C>G on transcript NM_016222.4 (MANE Select); 3 bases into the intron before coding-DNA position 1622, C replaced by G.
Molecular consequence: intron variant.
Genome position (GRCh38, 1-based): chr5:177,512,209, G>C on the plus strand (C>G on the coding strand, the complement: DDX41 is on the minus strand). VCF-style: chr5-177512209-G-C. GRCh37 (hg19) VCF-style: chr5-176939210-G-C.
Other names: c.1244-3C>G (NM_001321830.2, NM_001321732.2).
Identifiers: ClinVar variation 4617150 (VCV004617150.1).
Genomic context (GRCh38, chr5:177,512,209, plus strand): 5'-GGCACCTTCTGCTTGGCTTCTAGCAGCAGCGCTTTGAGGTCCATCAGCACTGACTCATCT[G>C]GGGGAGGAGTGGGGAAGCATCAGGGCCCATCCTGGGCTCTGTGGCCAGAACCTGGGTGGC-3'